The following is an entry in ClinVar:

ClinVar aggregate classification (germline): Uncertain significance. Review status: criteria provided, multiple submitters, no conflicts (2 of 4 stars). 2 submissions from 2 submitters: Uncertain significance (2). Last evaluated 2020-06-11.

Conditions:
Dilated cardiomyopathy 1NN. Identifiers: Orphanet 154, MedGen C4014656, MONDO:0014396, OMIM 615916.

Allele frequency attached by ClinVar (database versions not stated): gnomAD exomes below 0.00001 and 0.00001.
gnomAD v4.1: 5 of 1,614,146 alleles (0.00031%); highest among the groups gnomAD compares: Non-Finnish European, 0.00042%; no homozygotes.

Submissions (2):

Victorian Clinical Genetics Services, Murdoch Childrens Research Institute
Classification: Uncertain significance for Dilated cardiomyopathy 1NN. Last evaluated: 2020-06-11. Review status: criteria provided, single submitter. Criteria: ACMG Guidelines, 2015. Collection method: clinical testing. Allele origin: germline. Inheritance: Autosomal dominant inheritance. Affected: yes.
Comment: Based on the classification scheme VCGS_Germline_v1.1.1, this variant is classified as VUS – 3C. Following criteria are met: 0103 - Both loss- and gain-of-function are known mechanisms of disease for this gene. Gain of function mutations result in cardiomyopathy (HCM), while non-HCM-associated variants were kinase impaired (PMID: 17603483, PMID: 17603482) (N) 0107 - This gene is known to be associated with autosomal dominant disease. (N) 0200 - Variant is predicted to result in a missense amino acid change from histidine to arginine (exon 3). (N) 0251 - Variant is heterozygous. (N) 0302 - Variant is present in gnomAD <0.001 for a dominant condition (2 heterozygotes, 0 homozygotes). (P) 0309 - An alternative amino acid change at the same position has been observed in gnomAD (1 heterozygote, 0 homozygotes). (N) 0503 - Missense variant consistently predicted to be tolerated or not conserved in mammals with a minor amino acid change. (B) 0600 - Variant is located in an annotated domain or motif, (Ras binding domain; PDB, NCBI). (N) 0708 – A comparable variant (p.His79Gln) been described as variant of uncertain significance (ClinVar). (N) 0804 - Variant has previously been described as variant of uncertain significance (ClinVar). (N) 0905 - No segregation evidence has been identified for this variant. (N) 1007 - No published functional evidence has been identified for this variant. (N) 1208 - Inheritance information for this variant is not currently available. (N) Legend: (P) - Pathogenic, (N) - Neutral, (B) - Benign

CeGaT Center for Human Genetics Tuebingen
Classification: Uncertain significance. Last evaluated: 2018-10-01. Review status: criteria provided, single submitter. Criteria: CeGaT Center For Human Genetics Tuebingen Variant Classification Criteria Version 2. Collection method: clinical testing. Allele origin: germline. Affected: yes. Observed: 1 variant allele.

Literature cited by the submitters: PubMed 17603482 (cited by Victorian Clinical Genetics Services, Murdoch Childrens Research Institute); PubMed 17603483 (cited by Victorian Clinical Genetics Services, Murdoch Childrens Research Institute).

NM_002880.4(RAF1):c.236A>G (p.His79Arg)

Gene: RAF1 (Raf-1 proto-oncogene, serine/threonine kinase; minus strand). Cytogenetic location: 3p25.2.
Variant type: single nucleotide variant.
Coding change: c.236A>G on transcript NM_002880.4 (MANE Select); coding-DNA position 236, A replaced by G.
Protein change: p.His79Arg; replaces histidine 79 with arginine.
Molecular consequence: missense variant. On other transcripts: non-coding transcript variant (3), intron variant (4).
Genome position (GRCh38, 1-based): chr3:12,612,034, T>C on the plus strand (A>G on the coding strand, the complement: RAF1 is on the minus strand). VCF-style: chr3-12612034-T-C. GRCh37 (hg19) VCF-style: chr3-12653533-T-C.
Other names: c.236A>G, p.His79Arg (NM_001354689.3, NM_001354690.3, NM_001354693.3); c.78-2699A>G (NM_001354695.3, NM_001354692.3, NM_001354694.3 and 1 more transcripts); short protein forms H79R.
Identifiers: ClinVar variation 624212 (VCV000624212.44), dbSNP rs1387880716, ClinGen allele CA351521108.